The following is an entry in ClinVar:

ClinVar aggregate classification (germline): Pathogenic/Likely pathogenic. Review status: criteria provided, multiple submitters, no conflicts (2 of 4 stars). 2 submissions from 2 submitters: Pathogenic (1); Likely pathogenic (1). Last evaluated 2024-12-18.

Conditions:
Primary ciliary dyskinesia. Also called: Ciliary dyskinesia. Identifiers: Orphanet 244, MedGen C0008780, MONDO:0016575, HP:0012265.

Allele frequency attached by ClinVar (database versions not stated): TOPMed below 0.00001.

Submissions (2):

Natera, Inc.
Classification: Likely pathogenic for Primary ciliary dyskinesia. Last evaluated: 2024-12-18. Review status: criteria provided, single submitter. Criteria: Natera Variant Classification Schema (03/2026). Collection method: clinical testing. Allele origin: germline.
Comment: The c.6682A>T variant in DNAH5 is a nonsense variant predicted to introduce a stop codon at amino acid 2228. This variant is expected to result in nonsense mediated decay, truncation, or a dysfunctional protein product. This variant is rare in the general population with a frequency below the threshold expected for the associated phenotype(s). Given the available evidence, this variant is classified as Likely Pathogenic.

Labcorp Genetics (formerly Invitae), Labcorp
Classification: Pathogenic for Primary ciliary dyskinesia. Last evaluated: 2024-12-14. Review status: criteria provided, single submitter. Criteria: Invitae Variant Classification Sherloc (09022015). Collection method: clinical testing. Allele origin: germline.
Comment: This sequence change creates a premature translational stop signal (p.Arg2228*) in the DNAH5 gene. It is expected to result in an absent or disrupted protein product. Loss-of-function variants in DNAH5 are known to be pathogenic (PMID: 11788826, 16627867). This variant is not present in population databases (gnomAD no frequency). This premature translational stop signal has been observed in individual(s) with clinical features of primary ciliary dyskinesia (internal data). ClinVar contains an entry for this variant (Variation ID: 839328). For these reasons, this variant has been classified as Pathogenic.

Literature cited by the submitters: PubMed 11788826 (cited by Labcorp Genetics (formerly Invitae), Labcorp); PubMed 16627867 (cited by Labcorp Genetics (formerly Invitae), Labcorp).

NM_001369.3(DNAH5):c.6682A>T (p.Arg2228Ter)

Gene: DNAH5 (dynein axonemal heavy chain 5; minus strand). Cytogenetic location: 5p15.2.
Variant type: single nucleotide variant.
Coding change: c.6682A>T on transcript NM_001369.3 (MANE Select); coding-DNA position 6682, A replaced by T.
Protein change: p.Arg2228Ter; replaces arginine 2228 with a stop codon.
Molecular consequence: nonsense.
Genome position (GRCh38, 1-based): chr5:13,823,268, T>A on the plus strand (A>T on the coding strand, the complement: DNAH5 is on the minus strand). VCF-style: chr5-13823268-T-A. GRCh37 (hg19) VCF-style: chr5-13823377-T-A.
Other names: short protein forms R2228*.
Identifiers: ClinVar variation 839328 (VCV000839328.8), dbSNP rs1762460445, ClinGen allele CA359195511.